The following is an entry in ClinVar:

ClinVar aggregate classification (germline): Likely benign. Review status: criteria provided, multiple submitters, no conflicts (2 of 4 stars). 4 submissions from 4 submitters: Likely benign (3). 1 of the submissions does not count toward it. Last evaluated 2025-12-11.

Conditions:
Baraitser-Winter syndrome 1 (BRWS1). Also called: BARAITSER-WINTER SYNDROME 1, ATYPICAL; PACHYGYRIA, MENTAL RETARDATION, EPILEPSY, AND CHARACTERISTIC FACIES; MENTAL RETARDATION WITH EPILEPSY AND CHARACTERISTIC FACIES; Cerebrofrontofacial syndrome. Identifiers: Orphanet 2649, Orphanet 2995, MedGen C1855722, MONDO:0009470, OMIM 243310.
ACTB-related disorder. Also called: ACTB-related condition; ACTB-related disorders.

Allele frequency attached by ClinVar (database versions not stated): ExAC 0.00004; gnomAD 0.00004 and 0.00006; TOPMed 0.00004; gnomAD exomes 0.00007 and 0.00008; 1000 Genomes Project 30x 0.00016; 1000 Genomes Project 0.00020.

Submissions (4):

Labcorp Genetics (formerly Invitae), Labcorp
Classification: Likely benign for Baraitser-Winter syndrome 1. Last evaluated: 2025-12-11. Review status: criteria provided, single submitter. Criteria: Invitae Variant Classification Sherloc (09022015). Collection method: clinical testing. Allele origin: germline.

Blueprint Genetics
Classification: Likely benign. Last evaluated: 2024-01-30. Review status: criteria provided, single submitter. Criteria: ACMG Guidelines, 2015. Collection method: clinical testing. Allele origin: germline.

GeneDx
Classification: Likely benign. Last evaluated: 2020-06-06. Review status: criteria provided, single submitter. Criteria: GeneDx Variant Classification Process June 2021. Collection method: clinical testing. Allele origin: germline. Affected: yes.

PreventionGenetics, part of Exact Sciences
Classification: Likely benign for ACTB-related condition. Last evaluated: 2019-02-20. Review status: no assertion criteria provided. Collection method: clinical testing. Allele origin: germline. Not counted in ClinVar's aggregate classification.
Comment: This variant is classified as likely benign based on ACMG/AMP sequence variant interpretation guidelines (Richards et al. 2015 PMID: 25741868, with internal and published modifications).

NM_001101.5(ACTB):c.732C>T (p.Asp244=)

Gene: ACTB (actin beta; minus strand). Cytogenetic location: 7p22.1.
Variant type: single nucleotide variant.
Coding change: c.732C>T on transcript NM_001101.5 (MANE Select); coding-DNA position 732, C replaced by T.
Protein change: p.Asp244=; no amino-acid change (aspartic acid 244 retained).
Molecular consequence: synonymous variant.
Genome position (GRCh38, 1-based): chr7:5,528,351, G>A on the plus strand (C>T on the coding strand, the complement: ACTB is on the minus strand). VCF-style: chr7-5528351-G-A. GRCh37 (hg19) VCF-style: chr7-5567982-G-A.
Identifiers: ClinVar variation 695586 (VCV000695586.17), dbSNP rs552269338, ClinGen allele CA4146964.